The following is an entry in ClinVar:

NM_001278.5(CHUK):c.464T>C (p.Val155Ala)

Gene: CHUK (component of inhibitor of nuclear factor kappa B kinase complex; minus strand). Cytogenetic location: 10q24.31.
Variant type: single nucleotide variant.
Coding change: c.464T>C on transcript NM_001278.5 (MANE Select); coding-DNA position 464, T replaced by C.
Protein change: p.Val155Ala; replaces valine 155 with alanine.
Molecular consequence: missense variant.
Genome position (GRCh38, 1-based): chr10:100,220,598, A>G on the plus strand (T>C on the coding strand, the complement: CHUK is on the minus strand). VCF-style: chr10-100220598-A-G. GRCh37 (hg19) VCF-style: chr10-101980355-A-G.
Other names: c.464T>C (NM_001278.4); c.464T>C, p.Val155Ala (NM_001320928.2); short protein forms V155A.
Identifiers: ClinVar variation 1288665 (VCV001288665.12), dbSNP rs2230803, ClinGen allele CA5646663.
Genomic context (GRCh38, chr10:100,220,598, plus strand): 5'-AGAGAGACTATATTCAATAGGCATGAAACATTACTTCAGGTTTCACCTACCTTTCCACCA[A>G]CATCCTGAAGAACTATGTTTTCAGGTTTTAGATCTCGATGTATAATTTTGTTTTCATGCA-3'
Protein context (NP_001269.3, residues 145-165): LKPENIVLQD[Val155Ala]GGKIIHKIID

ClinVar aggregate classification (germline): Benign/Likely benign. Review status: criteria provided, multiple submitters, no conflicts (2 of 4 stars). 5 submissions from 5 submitters: Benign (3); Likely benign (1). 1 of the submissions does not count toward it. Last evaluated 2026-01-22.

Conditions:
CHUK-related disorder. Also called: CHUK-related condition.

Allele frequency attached by ClinVar (database versions not stated): ESP Exome Variant Server 0.00100; gnomAD 0.00276 and 0.00500; TOPMed 0.00430; gnomAD exomes 0.00558 and 0.01190; ExAC 0.01263; 1000 Genomes Project 30x 0.01968; 1000 Genomes Project 0.02077.
gnomAD v4.1: 9,101 of 1,609,226 alleles (0.57%); highest among the groups gnomAD compares: East Asian, 5.6%; 274 homozygotes.

Submissions (5):

Women's Health and Genetics/Laboratory Corporation of America, LabCorp
Classification: Likely benign. Last evaluated: 2026-01-22. Review status: criteria provided, single submitter. Criteria: LabCorp Variant Classification Summary - May 2015. Collection method: clinical testing. Allele origin: germline.

Labcorp Genetics (formerly Invitae), Labcorp
Classification: Benign. Last evaluated: 2026-01-18. Review status: criteria provided, single submitter. Criteria: Invitae Variant Classification Sherloc (09022015). Collection method: clinical testing. Allele origin: germline.

GeneDx
Classification: Benign. Last evaluated: 2021-05-05. Review status: criteria provided, single submitter. Criteria: GeneDx Variant Classification Process June 2021. Collection method: clinical testing. Allele origin: germline. Affected: yes.

Breakthrough Genomics
Classification: Benign. Review status: criteria provided, single submitter. Criteria: ACMG Guidelines, 2015. Collection method: not provided. Allele origin: germline. Inheritance: Autosomal recessive inheritance. Affected: yes.

PreventionGenetics, part of Exact Sciences
Classification: Benign for CHUK-related condition. Last evaluated: 2024-03-21. Review status: no assertion criteria provided. Collection method: clinical testing. Allele origin: germline. Not counted in ClinVar's aggregate classification.
Comment: This variant is classified as benign based on ACMG/AMP sequence variant interpretation guidelines (Richards et al. 2015 PMID: 25741868, with internal and published modifications).